The following is an entry in ClinVar:

NM_199420.4(POLQ):c.2098G>A (p.Gly700Arg)

Gene: POLQ (DNA polymerase theta; minus strand). Cytogenetic location: 3q13.33.
Variant type: single nucleotide variant.
Coding change: c.2098G>A on transcript NM_199420.4 (MANE Select); coding-DNA position 2098, G replaced by A.
Protein change: p.Gly700Arg; replaces glycine 700 with arginine.
Molecular consequence: missense variant.
Genome position (GRCh38, 1-based): chr3:121,498,532, C>T on the plus strand (G>A on the coding strand, the complement: POLQ is on the minus strand). VCF-style: chr3-121498532-C-T. GRCh37 (hg19) VCF-style: chr3-121217379-C-T.
Other names: short protein forms G700R.
Identifiers: ClinVar variation 3229870 (VCV003229870.2), dbSNP rs2546794706, ClinGen allele CA354110029.
Genomic context (GRCh38, chr3:121,498,532, plus strand): 5'-TTTACCTTTTATGGATGGCCATTTGTCGATGCTGTCTCTCAGTTCTGGCTACTACTTTTC[C>T]TTTCACACAACGGGCCAAGAACCCCTCTTCAACTCCCACTAGCTCTGCCACCCTTTTCAT-3'
Protein context (NP_955452.3, residues 690-710): EEGFLARCVK[Gly700Arg]KVVARTERQH

ClinVar aggregate classification (germline): Uncertain significance (1 of 4 stars; one submission).

Submission:

Ambry Genetics
Classification: Uncertain significance. Last evaluated: 2024-04-05. Review status: criteria provided, single submitter. Criteria: Ambry Variant Classification Scheme 2023. Collection method: clinical testing. Allele origin: germline.
Comment: The p.G700R variant (also known as c.2098G>A), located in coding exon 13 of the POLQ gene, results from a G to A substitution at nucleotide position 2098. The glycine at codon 700 is replaced by arginine, an amino acid with dissimilar properties. This amino acid position is conserved. In addition, this alteration is predicted to be deleterious by in silico analysis. Since supporting evidence is limited at this time, the clinical significance of this alteration remains unclear.